The following is an entry in ClinVar:

NM_000135.4(FANCA):c.2549C>T (p.Ser850Phe)

Gene: FANCA (FA complementation group A; minus strand). Cytogenetic location: 16q24.3.
Variant type: single nucleotide variant.
Coding change: c.2549C>T on transcript NM_000135.4 (MANE Select); coding-DNA position 2549, C replaced by T.
Protein change: p.Ser850Phe; replaces serine 850 with phenylalanine.
Molecular consequence: missense variant.
Genome position (GRCh38, 1-based): chr16:89,767,193, G>A on the plus strand (C>T on the coding strand, the complement: FANCA is on the minus strand). VCF-style: chr16-89767193-G-A. GRCh37 (hg19) VCF-style: chr16-89833601-G-A.
Other names: c.2549C>T, p.Ser850Phe (NM_001286167.3); short protein forms S850F.
Identifiers: ClinVar variation 4254220 (VCV004254220.1).

ClinVar aggregate classification (germline): Uncertain significance (1 of 4 stars; one submission).

Conditions:
Inborn genetic diseases. Identifiers: MedGen C0950123, MeSH D030342.

Submission:

Ambry Genetics
Classification: Uncertain significance for Inborn genetic diseases. Last evaluated: 2025-07-21. Review status: criteria provided, single submitter. Criteria: Ambry Variant Classification Scheme 2023. Collection method: clinical testing. Allele origin: germline.
Comment: The p.S850F variant (also known as c.2549C>T), located in coding exon 27 of the FANCA gene, results from a C to T substitution at nucleotide position 2549. The serine at codon 850 is replaced by phenylalanine, an amino acid with highly dissimilar properties. This amino acid position is conserved. In addition, the in silico prediction for this alteration is inconclusive. Based on the available evidence, the clinical significance of this variant remains unclear.